The following is an entry in ClinVar:

ClinVar aggregate classification (germline): Benign/Likely benign. Review status: criteria provided, multiple submitters, no conflicts (2 of 4 stars). 9 submissions from 8 submitters: Benign (7); Likely benign (1). 1 of the submissions does not count toward it. Last evaluated 2026-02-04.

Conditions:
Spinal muscular atrophy-progressive myoclonic epilepsy syndrome. Also called: Hereditary myoclonus and progressive distal muscular atrophy; Spinal Muscular Atrophy with Progressive Myoclonic Epilepsy (SMA-PME); Spinal muscular atrophy with progressive myoclonic epilepsy; MYOCLONUS, HEREDITARY, WITH PROGRESSIVE DISTAL MUSCULAR ATROPHY. Identifiers: Orphanet 2590, MedGen C1834569, MONDO:0008045, OMIM 159950.
Farber lipogranulomatosis (FRBRL). Also called: Farber's lipogranulomatosis; AC DEFICIENCY; ACID CERAMIDASE DEFICIENCY; CERAMIDASE DEFICIENCY; N-LAURYLSPHINGOSINE DEACYLASE DEFICIENCY; Farber's disease. Identifiers: Orphanet 333, MedGen C0268255, MONDO:0009218, OMIM 228000.

Allele frequency attached by ClinVar (database versions not stated): ExAC 0.10638; gnomAD 0.10649 and 0.10703; gnomAD exomes 0.10757; ESP Exome Variant Server 0.10772; 1000 Genomes Project 0.11002; TOPMed 0.11070; 1000 Genomes Project 30x 0.11649.
gnomAD v4.1: 145,401 of 1,612,940 alleles (9%); highest among the groups gnomAD compares: Admixed American, 15%; 7,508 homozygotes.

Submissions 1 to 28 of 72:

Labcorp Genetics (formerly Invitae), Labcorp
Classification: Benign. Last evaluated: 2026-02-04. Review status: criteria provided, single submitter. Criteria: Invitae Variant Classification Sherloc (09022015). Collection method: clinical testing. Allele origin: germline.

Blueprint Genetics
Classification: Likely benign. Last evaluated: 2024-11-27. Review status: criteria provided, single submitter. Criteria: ACMG Guidelines, 2015. Collection method: clinical testing. Allele origin: germline.

Genome-Nilou Lab
Classification: Benign for Farber lipogranulomatosis. Last evaluated: 2021-07-14. Review status: criteria provided, single submitter. Criteria: ACMG Guidelines, 2015. Collection method: clinical testing. Allele origin: germline. Affected: no.

Genome-Nilou Lab
Classification: Benign for Spinal muscular atrophy-progressive myoclonic epilepsy syndrome. Last evaluated: 2021-07-14. Review status: criteria provided, single submitter. Criteria: ACMG Guidelines, 2015. Collection method: clinical testing. Allele origin: germline. Affected: no.

GeneDx
Classification: Benign. Last evaluated: 2018-06-13. Review status: criteria provided, single submitter. Criteria: GeneDx Variant Classification (06012015). Collection method: clinical testing. Allele origin: germline. Affected: yes.
Comment: This variant is considered likely benign or benign based on one or more of the following criteria: it is a conservative change, it occurs at a poorly conserved position in the protein, it is predicted to be benign by multiple in silico algorithms, and/or has population frequency not consistent with disease.

Illumina Laboratory Services, Illumina
Classification: Benign for Farber lipogranulomatosis. Last evaluated: 2018-01-13. Review status: criteria provided, single submitter. Criteria: ICSL Variant Classification Criteria 13 December 2019. Collection method: clinical testing. Allele origin: germline.
Comment: This variant was observed in the ICSL laboratory as part of a predisposition screen in an ostensibly healthy population. It had not been previously curated by ICSL or reported in the Human Gene Mutation Database (HGMD: prior to June 1st, 2018), and was therefore a candidate for classification through an automated scoring system. Utilizing variant allele frequency, disease prevalence and penetrance estimates, and inheritance mode, an automated score was calculated to assess if this variant is too frequent to cause the disease. Based on the score and internal cut-off values, a variant classified as benign is not then subjected to further curation. The score for this variant resulted in a classification of benign for this disease.

Breakthrough Genomics
Classification: Benign. Review status: criteria provided, single submitter. Criteria: ACMG Guidelines, 2015. Collection method: not provided. Allele origin: germline. Inheritance: Autosomal recessive inheritance. Affected: yes.

PreventionGenetics, part of Exact Sciences
Classification: Benign. Review status: criteria provided, single submitter. Criteria: ACMG Guidelines, 2015. Collection method: clinical testing. Allele origin: germline.

Mayo Clinic Laboratories, Mayo Clinic
Classification: Benign. Last evaluated: 2015-10-23. Review status: no assertion criteria provided. Collection method: clinical testing. Allele origin: unknown. Not counted in ClinVar's aggregate classification.

Dr. Peter K. Rogan Lab, Western University
No classification provided (evidence only). Condition: Colorectal cancer. Review status: no classification provided. Collection method: in vitro. Allele origin: not applicable. Functional consequence: retained intron. Not counted in ClinVar's aggregate classification.

Dr. Peter K. Rogan Lab, Western University
No classification provided (evidence only). Condition: Colorectal cancer. Review status: no classification provided. Collection method: in vitro. Allele origin: not applicable. Functional consequence: retained intron. Not counted in ClinVar's aggregate classification.

Dr. Peter K. Rogan Lab, Western University
No classification provided (evidence only). Condition: Colorectal cancer. Review status: no classification provided. Collection method: in vitro. Allele origin: not applicable. Functional consequence: retained intron. Not counted in ClinVar's aggregate classification.

Dr. Peter K. Rogan Lab, Western University
No classification provided (evidence only). Condition: Cholangiocarcinoma. Review status: no classification provided. Collection method: in vitro. Allele origin: not applicable. Functional consequence: retained intron. Not counted in ClinVar's aggregate classification.

Dr. Peter K. Rogan Lab, Western University
No classification provided (evidence only). Condition: Cholangiocarcinoma. Review status: no classification provided. Collection method: in vitro. Allele origin: not applicable. Functional consequence: retained intron. Not counted in ClinVar's aggregate classification.

Dr. Peter K. Rogan Lab, Western University
No classification provided (evidence only). Condition: Adrenocortical carcinoma, hereditary. Review status: no classification provided. Collection method: in vitro. Allele origin: not applicable. Functional consequence: retained intron. Not counted in ClinVar's aggregate classification.

Dr. Peter K. Rogan Lab, Western University
No classification provided (evidence only). Condition: Adrenocortical carcinoma, hereditary. Review status: no classification provided. Collection method: in vitro. Allele origin: not applicable. Functional consequence: retained intron. Not counted in ClinVar's aggregate classification.

Dr. Peter K. Rogan Lab, Western University
No classification provided (evidence only). Condition: Uterine carcinosarcoma. Review status: no classification provided. Collection method: in vitro. Allele origin: not applicable. Functional consequence: retained intron. Not counted in ClinVar's aggregate classification.

Dr. Peter K. Rogan Lab, Western University
No classification provided (evidence only). Condition: Uveal melanoma. Review status: no classification provided. Collection method: in vitro. Allele origin: not applicable. Functional consequence: retained intron. Not counted in ClinVar's aggregate classification.

Dr. Peter K. Rogan Lab, Western University
No classification provided (evidence only). Condition: Uveal melanoma. Review status: no classification provided. Collection method: in vitro. Allele origin: not applicable. Functional consequence: retained intron. Not counted in ClinVar's aggregate classification.

Dr. Peter K. Rogan Lab, Western University
No classification provided (evidence only). Condition: Uveal melanoma. Review status: no classification provided. Collection method: in vitro. Allele origin: not applicable. Functional consequence: retained intron. Not counted in ClinVar's aggregate classification.

Dr. Peter K. Rogan Lab, Western University
No classification provided (evidence only). Condition: Uveal melanoma. Review status: no classification provided. Collection method: in vitro. Allele origin: not applicable. Functional consequence: retained intron. Not counted in ClinVar's aggregate classification.

Dr. Peter K. Rogan Lab, Western University
No classification provided (evidence only). Condition: Uveal melanoma. Review status: no classification provided. Collection method: in vitro. Allele origin: not applicable. Functional consequence: retained intron. Not counted in ClinVar's aggregate classification.

Dr. Peter K. Rogan Lab, Western University
No classification provided (evidence only). Condition: Uveal melanoma. Review status: no classification provided. Collection method: in vitro. Allele origin: not applicable. Functional consequence: retained intron. Not counted in ClinVar's aggregate classification.

Dr. Peter K. Rogan Lab, Western University
No classification provided (evidence only). Condition: Uveal melanoma. Review status: no classification provided. Collection method: in vitro. Allele origin: not applicable. Functional consequence: retained intron. Not counted in ClinVar's aggregate classification.

Dr. Peter K. Rogan Lab, Western University
No classification provided (evidence only). Condition: Uveal melanoma. Review status: no classification provided. Collection method: in vitro. Allele origin: not applicable. Functional consequence: retained intron. Not counted in ClinVar's aggregate classification.

Dr. Peter K. Rogan Lab, Western University
No classification provided (evidence only). Condition: Uveal melanoma. Review status: no classification provided. Collection method: in vitro. Allele origin: not applicable. Functional consequence: retained intron. Not counted in ClinVar's aggregate classification.

Dr. Peter K. Rogan Lab, Western University
No classification provided (evidence only). Condition: Uveal melanoma. Review status: no classification provided. Collection method: in vitro. Allele origin: not applicable. Functional consequence: retained intron. Not counted in ClinVar's aggregate classification.

Dr. Peter K. Rogan Lab, Western University
No classification provided (evidence only). Condition: Chronic lymphocytic leukemia/small lymphocytic lymphoma. Review status: no classification provided. Collection method: in vitro. Allele origin: not applicable. Functional consequence: retained intron. Not counted in ClinVar's aggregate classification.

NM_177924.5(ASAH1):c.79-3C>T

Gene: ASAH1 (N-acylsphingosine amidohydrolase 1; minus strand). Cytogenetic location: 8p22.
Variant type: single nucleotide variant.
Coding change: c.79-3C>T on transcript NM_177924.5 (MANE Select); 3 bases into the intron before coding-DNA position 79, C replaced by T.
Molecular consequence: intron variant.
Genome position (GRCh38, 1-based): chr8:18,075,590, G>A on the plus strand (C>T on the coding strand, the complement: ASAH1 is on the minus strand). VCF-style: chr8-18075590-G-A. GRCh37 (hg19) VCF-style: chr8-17933099-G-A.
Other names: c.127-3C>T (NM_004315.6, NM_001127505.3); c.-117-3C>T (NM_001363743.2).
Identifiers: ClinVar variation 259275 (VCV000259275.23), dbSNP rs35513736, ClinGen allele CA4651087.
Genomic context (GRCh38, chr8:18,075,590, plus strand): 5'-TGTTTACTCACGTTGGTCCTGAAGGAGGATAGGTTGATTTTCTGCAGTCCTCTGTCCACT[G>A]AAAAGCAAAGAAAATTAAGTTTCAGAAAATAACAAATGCTTGCCAACGGAATAAGCAATT-3'